The following is an entry in ClinVar:

NM_015368.4(PANX1):c.882G>A (p.Thr294=)

Gene: PANX1 (pannexin 1; plus strand). Cytogenetic location: 11q21.
Variant type: single nucleotide variant.
Coding change: c.882G>A on transcript NM_015368.4 (MANE Select); coding-DNA position 882, G replaced by A.
Protein change: p.Thr294=; no amino-acid change (threonine 294 retained).
Molecular consequence: synonymous variant.
Genome position (GRCh38, 1-based): chr11:94,179,938, G>A. VCF-style: chr11-94179938-G-A. GRCh37 (hg19) VCF-style: chr11-93913104-G-A.
Identifiers: ClinVar variation 3059524 (VCV003059524.2), dbSNP rs375539925, ClinGen allele CA6234125.

ClinVar aggregate classification (germline): Likely benign (0 of 4 stars; one submission).

Conditions:
PANX1-related disorder. Also called: PANX1-related condition.

gnomAD v4.1: 34 of 1,608,448 alleles (0.0021%); highest among the groups gnomAD compares: East Asian, 0.049%; no homozygotes.

Submission:

PreventionGenetics, part of Exact Sciences
Classification: Likely benign for PANX1-related condition. Last evaluated: 2019-04-15. Review status: no assertion criteria provided. Collection method: clinical testing. Allele origin: germline.
Comment: This variant is classified as likely benign based on ACMG/AMP sequence variant interpretation guidelines (Richards et al. 2015 PMID: 25741868, with internal and published modifications).